The following is an entry in ClinVar:

NM_030665.4(RAI1):c.837_841delinsAT (p.Gln280_Gln281delinsTer)

Gene: RAI1 (retinoic acid induced 1; plus strand). Cytogenetic location: 17p11.2.
Variant type: Indel.
Coding change: c.837_841delinsAT on transcript NM_030665.4 (MANE Select); coding-DNA positions 837 to 841, GCAGC replaced by AT.
Protein change: p.Gln280_Gln281delinsTer.
Molecular consequence: nonsense.
Genome position (GRCh38, 1-based): chr17:17,793,785-17,793,789, GCAGC replaced by AT. VCF-style: chr17-17793785-GCAGC-AT. GRCh37 (hg19) VCF-style: chr17-17697099-GCAGC-AT.
Identifiers: ClinVar variation 1701312 (VCV001701312.31), dbSNP rs2143001748, ClinGen allele CA2580092640.

ClinVar aggregate classification (germline): Pathogenic (1 of 4 stars; one submission).

Submission:

CeGaT Center for Human Genetics Tuebingen
Classification: Pathogenic. Last evaluated: 2022-05-01. Review status: criteria provided, single submitter. Criteria: CeGaT Center For Human Genetics Tuebingen Variant Classification Criteria Version 2. Collection method: clinical testing. Allele origin: germline. Affected: yes. Observed: 1 variant allele.
Comment: RAI1: PVS1, PM2